The following is an entry in ClinVar:

NM_018723.4(RBFOX1):c.257C>T (p.Ser86Phe)

Gene: RBFOX1 (RNA binding fox-1 homolog 1; plus strand). Cytogenetic location: 16p13.3.
Variant type: single nucleotide variant.
Coding change: c.257C>T on transcript NM_018723.4 (MANE Select); coding-DNA position 257, C replaced by T.
Protein change: p.Ser86Phe; replaces serine 86 with phenylalanine.
Molecular consequence: missense variant.
Genome position (GRCh38, 1-based): chr16:7,518,376, C>T. VCF-style: chr16-7518376-C-T. GRCh37 (hg19) VCF-style: chr16-7568378-C-T.
Other names: c.257C>T, p.Ser86Phe (NM_001142333.2, NM_001142334.2, NM_001364800.2 and 1 more transcripts); c.386C>T, p.Ser129Phe (NM_001308117.1, NM_001411047.1, NM_001415891.1 and 5 more transcripts); c.854C>T, p.Ser285Phe (NM_001415887.1, NM_001415888.1); c.365C>T, p.Ser122Phe (NM_001415889.1, NM_001415892.1, NM_001415894.1 and 5 more transcripts); c.332C>T, p.Ser111Phe (NM_001415890.1, NM_001415893.1, NM_001415899.1 and 4 more transcripts); c.317C>T, p.Ser106Phe (NM_001415896.1, NM_001415915.1, NM_001415904.1 and 4 more transcripts); c.263C>T, p.Ser88Phe (NM_001415911.1, NM_001415917.1, NM_001415902.1); short protein forms S111F, S129F, S122F, S88F, S106F, S86F, S285F.
Identifiers: ClinVar variation 2892700 (VCV002892700.3), dbSNP rs2152190628, ClinGen allele CA394796743.
Genomic context (GRCh38, chr16:7,518,376, plus strand): 5'-ACCCTCCCGCCCAGACGCACTCCGAGCAGAGCCCGGCGGACACGAGCGCTCAGACCGTCT[C>T]TGGCACCGCCACAGTAAGTGGACGTGTTTGCTACGGGTGGGAGGTTATGGGGAGGCGCCC-3'
Protein context (NP_061193.2, residues 76-96): SPADTSAQTV[Ser86Phe]GTATQTDDAA

ClinVar aggregate classification (germline): Uncertain significance (1 of 4 stars; one submission).

Conditions:
Idiopathic generalized epilepsy. Also called: Generalised epilepsy; EIG. Identifiers: MedGen C0270850, MONDO:0005579, OMIM 600669.

gnomAD v4.1: 1 of 1,609,088 alleles (0.000062%); highest among the groups gnomAD compares: Non-Finnish European, 0.000085%; no homozygotes.

Submission:

Labcorp Genetics (formerly Invitae), Labcorp
Classification: Uncertain significance for Idiopathic generalized epilepsy. Last evaluated: 2024-05-15. Review status: criteria provided, single submitter. Criteria: Invitae Variant Classification Sherloc (09022015). Collection method: clinical testing. Allele origin: germline.
Comment: This sequence change replaces serine, which is neutral and polar, with phenylalanine, which is neutral and non-polar, at codon 106 of the RBFOX1 protein (p.Ser106Phe). This variant is not present in population databases (gnomAD no frequency). This variant has not been reported in the literature in individuals affected with RBFOX1-related conditions. Advanced modeling of protein sequence and biophysical properties (such as structural, functional, and spatial information, amino acid conservation, physicochemical variation, residue mobility, and thermodynamic stability) performed at Invitae indicates that this missense variant is not expected to disrupt RBFOX1 protein function with a negative predictive value of 80%. In summary, the available evidence is currently insufficient to determine the role of this variant in disease. Therefore, it has been classified as a Variant of Uncertain Significance.